The following is an entry in ClinVar:

ClinVar aggregate classification (germline): Uncertain significance. Review status: criteria provided, multiple submitters, no conflicts (2 of 4 stars). 2 submissions from 2 submitters: Uncertain significance (2). Last evaluated 2025-06-15.

Conditions:
Hereditary cancer-predisposing syndrome. Also called: Tumor predisposition; Hereditary Cancer Syndrome; Hereditary neoplastic syndrome; Neoplastic Syndromes, Hereditary. Identifiers: Orphanet 140162, MedGen C0027672, MeSH D009386, MONDO:0015356.
Familial cancer of breast. Also called: hereditary breast carcinoma; BREAST CANCER, FAMILIAL; Hereditary breast cancer. Identifiers: Orphanet 227535, MedGen C0346153, MONDO:0016419, OMIM 114480. Disease mechanism: loss of function.

Allele frequency attached by ClinVar (database versions not stated): gnomAD 0.00001.
gnomAD v4.1: 1 of 1,613,674 alleles (0.000062%); highest among the groups gnomAD compares: East Asian, 0.0022%; no homozygotes.

Submissions (2):

Labcorp Genetics (formerly Invitae), Labcorp
Classification: Uncertain significance for Familial cancer of breast. Last evaluated: 2025-06-15. Review status: criteria provided, single submitter. Criteria: Invitae Variant Classification Sherloc (09022015). Collection method: clinical testing. Allele origin: germline.
Comment: This sequence change replaces glutamic acid, which is acidic and polar, with glutamine, which is neutral and polar, at codon 105 of the PALB2 protein (p.Glu105Gln). This variant is present in population databases (no rsID available, gnomAD 0.06%). This variant has not been reported in the literature in individuals affected with PALB2-related conditions. ClinVar contains an entry for this variant (Variation ID: 486028). An algorithm developed to predict the effect of missense changes on protein structure and function outputs the following: PolyPhen-2: "Benign". The glutamine amino acid residue is found in multiple mammalian species, which suggests that this missense change does not adversely affect protein function. In summary, the available evidence is currently insufficient to determine the role of this variant in disease. Therefore, it has been classified as a Variant of Uncertain Significance.

Ambry Genetics
Classification: Uncertain significance for Hereditary cancer-predisposing syndrome. Last evaluated: 2024-06-02. Review status: criteria provided, single submitter. Criteria: Ambry Variant Classification Scheme 2023. Collection method: clinical testing. Allele origin: germline.
Comment: The p.E105Q variant (also known as c.313G>C), located in coding exon 4 of the PALB2 gene, results from a G to C substitution at nucleotide position 313. The glutamic acid at codon 105 is replaced by glutamine, an amino acid with highly similar properties. This amino acid position is poorly conserved in available vertebrate species. In addition, this alteration is predicted to be tolerated by in silico analysis. Since supporting evidence is limited at this time, the clinical significance of this alteration remains unclear.

NM_024675.4(PALB2):c.313G>C (p.Glu105Gln)

Gene: PALB2 (partner and localizer of BRCA2; minus strand). Cytogenetic location: 16p12.2.
Variant type: single nucleotide variant.
Coding change: c.313G>C on transcript NM_024675.4 (MANE Select); coding-DNA position 313, G replaced by C.
Protein change: p.Glu105Gln; replaces glutamic acid 105 with glutamine.
Molecular consequence: missense variant.
Genome position (GRCh38, 1-based): chr16:23,636,233, C>G on the plus strand (G>C on the coding strand, the complement: PALB2 is on the minus strand). VCF-style: chr16-23636233-C-G. GRCh37 (hg19) VCF-style: chr16-23647554-C-G.
Other names: short protein forms E105Q.
Identifiers: ClinVar variation 486028 (VCV000486028.17), dbSNP rs1307895700, ClinGen allele CA395138780.